The following is an entry in ClinVar:

ClinVar aggregate classification (germline): Uncertain significance (1 of 4 stars; one submission).

Conditions:
Hereditary cancer-predisposing syndrome. Also called: Neoplastic Syndromes, Hereditary; Tumor predisposition; Hereditary Cancer Syndrome; Hereditary neoplastic syndrome. Identifiers: Orphanet 140162, MedGen C0027672, MeSH D009386, MONDO:0015356.

gnomAD v4.1: 1 of 1,613,942 alleles (0.000062%); highest among the groups gnomAD compares: Non-Finnish European, 0.000085%; no homozygotes.

Submission:

Ambry Genetics
Classification: Uncertain significance for Hereditary cancer-predisposing syndrome. Last evaluated: 2026-05-28. Review status: criteria provided, single submitter. Criteria: Ambry Variant Classification Scheme 2023. Collection method: clinical testing. Allele origin: germline.
Comment: The p.P871L variant (also known as c.2612C>T), located in coding exon 12 of the BLM gene, results from a C to T substitution at nucleotide position 2612. The proline at codon 871 is replaced by leucine, an amino acid with similar properties. This amino acid position is conserved. In addition, the in silico prediction for this alteration is inconclusive. Based on the available evidence, the clinical significance of this variant remains unclear.

NM_000057.4(BLM):c.2612C>T (p.Pro871Leu)

Gene: BLM (BLM RecQ like helicase; plus strand). Cytogenetic location: 15q26.1.
Variant type: single nucleotide variant.
Coding change: c.2612C>T on transcript NM_000057.4 (MANE Select); coding-DNA position 2612, C replaced by T.
Protein change: p.Pro871Leu; replaces proline 871 with leucine.
Molecular consequence: missense variant.
Genome position (GRCh38, 1-based): chr15:90,782,878, C>T. VCF-style: chr15-90782878-C-T. GRCh37 (hg19) VCF-style: chr15-91326108-C-T.
Other names: c.2612C>T, p.Pro871Leu (NM_001287246.2, NM_001287247.2); c.1487C>T, p.Pro496Leu (NM_001287248.2); short protein forms P496L, P871L.
Identifiers: ClinVar variation 4867522 (VCV004867522.1).